The following is an entry in ClinVar:

ClinVar aggregate classification (germline): Uncertain significance (1 of 4 stars; one submission).

gnomAD v4.1: 10 of 1,466,930 alleles (0.00068%); highest among the groups gnomAD compares: African/African-American, 0.014%; no homozygotes.

Submission:

Labcorp Genetics (formerly Invitae), Labcorp
Classification: Uncertain significance. Last evaluated: 2025-05-15. Review status: criteria provided, single submitter. Criteria: Invitae Variant Classification Sherloc (09022015). Collection method: clinical testing. Allele origin: germline.
Comment: This sequence change falls in intron 25 of the RNF213 gene. It does not directly change the encoded amino acid sequence of the RNF213 protein. It affects a nucleotide within the consensus splice site. This variant is present in population databases (rs760447645, gnomAD 0.04%). This variant has not been reported in the literature in individuals affected with RNF213-related conditions. Variants that disrupt the consensus splice site are a relatively common cause of aberrant splicing (PMID: 17576681, 9536098). Algorithms developed to predict the effect of sequence changes on RNA splicing suggest that this variant is not likely to affect RNA splicing. In summary, the available evidence is currently insufficient to determine the role of this variant in disease. Therefore, it has been classified as a Variant of Uncertain Significance.

Literature cited by the submitters: PubMed 17576681; PubMed 9536098.

NM_001256071.3(RNF213):c.4834-3C>T

Gene: RNF213 (ring finger protein 213; plus strand). Cytogenetic location: 17q25.3.
Variant type: single nucleotide variant.
Coding change: c.4834-3C>T on transcript NM_001256071.3 (MANE Select); 3 bases into the intron before coding-DNA position 4834, C replaced by T.
Molecular consequence: intron variant.
Genome position (GRCh38, 1-based): chr17:80,339,198, C>T. VCF-style: chr17-80339198-C-T. GRCh37 (hg19) VCF-style: chr17-78312998-C-T.
Other names: c.4981-3C>T (NM_020914.5, NM_001410195.1).
Identifiers: ClinVar variation 4708801 (VCV004708801.1).